The following is an entry in ClinVar:

NM_032119.4(ADGRV1):c.10169G>T (p.Arg3390Met)

Gene: ADGRV1 (adhesion G protein-coupled receptor V1; plus strand). Cytogenetic location: 5q14.3.
Variant type: single nucleotide variant.
Coding change: c.10169G>T on transcript NM_032119.4 (MANE Select); coding-DNA position 10169, G replaced by T.
Protein change: p.Arg3390Met; replaces arginine 3390 with methionine.
Molecular consequence: missense variant. On other transcripts: non-coding transcript variant (1).
Genome position (GRCh38, 1-based): chr5:90,728,676, G>T. VCF-style: chr5-90728676-G-T. GRCh37 (hg19) VCF-style: chr5-90024493-G-T.
Other names: short protein forms R3390M.
Identifiers: ClinVar variation 2018319 (VCV002018319.4), dbSNP rs2531364701, ClinGen allele CA360403583.
Genomic context (GRCh38, chr5:90,728,676, plus strand): 5'-CAAGTGCTAAATTCCTAGTCATAAAGGGTTTTGTATTTCAACATTTCCTTCAGGTCTTCA[G>T]GTGGAATGGAGGAAGCTTCGTGTTGCATCAAAAACTCCCTGTCCGAGGTGTGCTGACCGT-3'
Protein context (NP_115495.3, residues 3380-3400): RDDSELTQVF[Arg3390Met]WNGGSFVLHQ

ClinVar aggregate classification (germline): Uncertain significance (1 of 4 stars; one submission).

Submission:

Labcorp Genetics (formerly Invitae), Labcorp
Classification: Uncertain significance. Last evaluated: 2022-07-06. Review status: criteria provided, single submitter. Criteria: Invitae Variant Classification Sherloc (09022015). Collection method: clinical testing. Allele origin: germline.
Comment: This sequence change replaces arginine, which is basic and polar, with methionine, which is neutral and non-polar, at codon 3390 of the ADGRV1 protein (p.Arg3390Met). This variant is not present in population databases (gnomAD no frequency). This variant has not been reported in the literature in individuals affected with ADGRV1-related conditions. Algorithms developed to predict the effect of missense changes on protein structure and function are either unavailable or do not agree on the potential impact of this missense change (SIFT: "Deleterious"; PolyPhen-2: "Benign"; Align-GVGD: "Class C0"). In summary, the available evidence is currently insufficient to determine the role of this variant in disease. Therefore, it has been classified as a Variant of Uncertain Significance.